The following is an entry in ClinVar:

NM_000057.4(BLM):c.3970C>T (p.His1324Tyr)

Gene: BLM (BLM RecQ like helicase; plus strand). Cytogenetic location: 15q26.1.
Variant type: single nucleotide variant.
Coding change: c.3970C>T on transcript NM_000057.4 (MANE Select); coding-DNA position 3970, C replaced by T.
Protein change: p.His1324Tyr; replaces histidine 1324 with tyrosine.
Molecular consequence: missense variant.
Genome position (GRCh38, 1-based): chr15:90,811,300, C>T. VCF-style: chr15-90811300-C-T. GRCh37 (hg19) VCF-style: chr15-91354530-C-T.
Other names: c.3970C>T, p.His1324Tyr (NM_001287246.2); c.3577C>T, p.His1193Tyr (NM_001287247.2); c.2845C>T, p.His949Tyr (NM_001287248.2); short protein forms H1324Y, H949Y, H1193Y.
Identifiers: ClinVar variation 454145 (VCV000454145.16), dbSNP rs748943489, ClinGen allele CA7739171.

ClinVar aggregate classification (germline): Uncertain significance. Review status: criteria provided, multiple submitters, no conflicts (2 of 4 stars). 5 submissions from 5 submitters: Uncertain significance (4). 1 of the submissions does not count toward it. Last evaluated 2026-02-02.

Conditions:
Hereditary cancer-predisposing syndrome. Also called: Hereditary Cancer Syndrome; Hereditary neoplastic syndrome; Neoplastic Syndromes, Hereditary; Tumor predisposition. Identifiers: Orphanet 140162, MedGen C0027672, MeSH D009386, MONDO:0015356.
Bloom syndrome (BLM). Also called: Bloom-Torre-Machacek syndrome. Identifiers: Orphanet 125, MedGen C0005859, MONDO:0008876, OMIM 210900.

Allele frequency attached by ClinVar (database versions not stated): TOPMed below 0.00001; gnomAD 0.00001; gnomAD exomes 0.00001 and 0.00002; ExAC 0.00002.

Submissions (5):

Labcorp Genetics (formerly Invitae), Labcorp
Classification: Uncertain significance for Bloom syndrome. Last evaluated: 2026-02-02. Review status: criteria provided, single submitter. Criteria: Invitae Variant Classification Sherloc (09022015). Collection method: clinical testing. Allele origin: germline.
Comment: This sequence change replaces histidine, which is basic and polar, with tyrosine, which is neutral and polar, at codon 1324 of the BLM protein (p.His1324Tyr). This variant is present in population databases (rs748943489, gnomAD 0.004%). This missense change has been observed in individual(s) with clinical features of Bloom syndrome (PMID: 17407155, 31159747). ClinVar contains an entry for this variant (Variation ID: 454145). Invitae Evidence Modeling of protein sequence and biophysical properties (such as structural, functional, and spatial information, amino acid conservation, physicochemical variation, residue mobility, and thermodynamic stability) indicates that this missense variant is not expected to disrupt BLM protein function with a negative predictive value of 80%. Experimental studies have shown that this missense change does not substantially affect BLM function (PMID: 17407155). In summary, the available evidence is currently insufficient to determine the role of this variant in disease. Therefore, it has been classified as a Variant of Uncertain Significance.

Ambry Genetics
Classification: Uncertain significance for Hereditary cancer-predisposing syndrome. Last evaluated: 2025-01-08. Review status: criteria provided, single submitter. Criteria: Ambry Variant Classification Scheme 2023. Collection method: clinical testing. Allele origin: germline.
Comment: The p.H1324Y variant (also known as c.3970C>T), located in coding exon 20 of the BLM gene, results from a C to T substitution at nucleotide position 3970. The histidine at codon 1324 is replaced by tyrosine, an amino acid with similar properties. This variant has been identified in one person with Bloom Syndrome and functional studies have shown that it preserves normal BLM protein function in reducing the levels of sister-chromatid exchanges in patient-derived cells (German J et al. Hum. Mutat., 2007 Aug;28:743-53; Perreault-Micale C et al. Mol Genet Genomic Med, 2015 Jul;3:363-73). Another study determined that this variant (reported as c.3970C>T, p.H1324T) was not sensitive to the DNA damaging agent, hydroxyurea, similar to wildtype (Mirzaei H et al. Proc. Natl. Acad. Sci. U.S.A., 2012 Nov;109:19357-62). This variant was also reported as a variant of unknown signifcance in 1/1197 individuals from Greece, Romania, and Turkey undergoing evaluation for inherited cancer predisposition (Tsaousis GN et al. BMC Cancer, 2019 Jun;19:535). This amino acid position is well conserved in available vertebrate species. In addition, this alteration is predicted to be tolerated by in silico analysis. Based on the available evidence, the clinical significance of this variant remains unclear.

GeneDx
Classification: Uncertain significance. Last evaluated: 2022-02-28. Review status: criteria provided, single submitter. Criteria: GeneDx Variant Classification Process June 2021. Collection method: clinical testing. Allele origin: germline. Affected: yes.
Comment: Not observed at significant frequency in large population cohorts (gnomAD); In silico analysis supports that this missense variant does not alter protein structure/function; Observed in an individual undergoing genetic testing for hereditary cancer predisposition and in an individual with Bloom syndrome in published literature (German 2007, Tsaousis 2019); Published functional studies suggest no damaging effect: reduced levels of sister-chromatid exchanges (German 2007); This variant is associated with the following publications: (PMID: 26247052, 31159747, 17407155)

GeneKor MSA
Classification: Uncertain significance for Hereditary cancer-predisposing syndrome. Last evaluated: 2018-08-01. Review status: criteria provided, single submitter. Criteria: ACMG Guidelines, 2015. Collection method: clinical testing. Allele origin: germline. Affected: yes.

Natera, Inc.
Classification: Uncertain significance for Bloom syndrome. Last evaluated: 2020-09-16. Review status: no assertion criteria provided. Collection method: clinical testing. Allele origin: germline. Not counted in ClinVar's aggregate classification.

Literature cited by the submitters: PubMed 17407155 (cited by Labcorp Genetics (formerly Invitae), Labcorp and Ambry Genetics); PubMed 31159747 (cited by Labcorp Genetics (formerly Invitae), Labcorp and Ambry Genetics); PubMed 23129629 (cited by Ambry Genetics); PubMed 26247052 (cited by Ambry Genetics).